The following is an entry in ClinVar:

ClinVar aggregate classification (germline): Benign. Review status: criteria provided, multiple submitters, no conflicts (2 of 4 stars). 2 submissions from 2 submitters: Benign (2). Last evaluated 2017-10-05.

Allele frequency attached by ClinVar (database versions not stated): gnomAD exomes 0.00600 and 0.01585; ExAC 0.01858; gnomAD 0.06038 and 0.06486; 1000 Genomes Project 0.06390; ESP Exome Variant Server 0.06426; 1000 Genomes Project 30x 0.06621; TOPMed 0.06827.
gnomAD v4.1: 18,335 of 1,614,030 alleles (1.1%); highest among the groups gnomAD compares: African/African-American, 21%; 1,738 homozygotes.

Submissions (2):

GeneDx
Classification: Benign. Last evaluated: 2017-10-05. Review status: criteria provided, single submitter. Criteria: GeneDx Variant Classification (06012015). Collection method: clinical testing. Allele origin: germline. Affected: yes.
Comment: This variant is considered likely benign or benign based on one or more of the following criteria: it is a conservative change, it occurs at a poorly conserved position in the protein, it is predicted to be benign by multiple in silico algorithms, and/or has population frequency not consistent with disease.

Breakthrough Genomics
Classification: Benign. Review status: criteria provided, single submitter. Criteria: ACMG Guidelines, 2015. Collection method: not provided. Allele origin: germline. Inheritance: Unknown mechanism. Affected: yes.

NM_012335.4(MYO1F):c.48G>A (p.Gln16=)

Gene: MYO1F (myosin IF; minus strand). Cytogenetic location: 19p13.2.
Variant type: single nucleotide variant.
Coding change: c.48G>A on transcript NM_012335.4 (MANE Select); coding-DNA position 48, G replaced by A.
Protein change: p.Gln16=; no amino-acid change (glutamine 16 retained).
Molecular consequence: synonymous variant.
Genome position (GRCh38, 1-based): chr19:8,555,752, C>T on the plus strand (G>A on the coding strand, the complement: MYO1F is on the minus strand). VCF-style: chr19-8555752-C-T. GRCh37 (hg19) VCF-style: chr19-8620636-C-T.
Other names: c.48G>A, p.Gln16= (NM_001348355.2).
Identifiers: ClinVar variation 508581 (VCV000508581.2), dbSNP rs73501540, ClinGen allele CA9159843.